The following is an entry in ClinVar:

ClinVar aggregate classification (germline): Uncertain significance (1 of 4 stars; one submission).

Conditions:
Familial thoracic aortic aneurysm and aortic dissection (TAAD). Also called: Thoracic aortic aneurysms and dissections. Identifiers: Orphanet 91387, MedGen C4707243, MONDO:0019625.

Submission:

Ambry Genetics
Classification: Uncertain significance for Familial thoracic aortic aneurysm and aortic dissection. Last evaluated: 2024-03-08. Review status: criteria provided, single submitter. Criteria: Ambry Variant Classification Scheme 2023. Collection method: clinical testing. Allele origin: germline.
Comment: The p.I790L variant (also known as c.2368A>C), located in coding exon 18 of the MYH11 gene, results from an A to C substitution at nucleotide position 2368. The isoleucine at codon 790 is replaced by leucine, an amino acid with highly similar properties. This amino acid position is conserved. In addition, the in silico prediction for this alteration is inconclusive. Based on the available evidence, the clinical significance of this alteration remains unclear.

NM_002474.3(MYH11):c.2368A>C (p.Ile790Leu)

Gene: MYH11 (myosin heavy chain 11; minus strand). Cytogenetic location: 16p13.11.
Variant type: single nucleotide variant.
Coding change: c.2368A>C on transcript NM_002474.3 (MANE Select); coding-DNA position 2368, A replaced by C.
Protein change: p.Ile790Leu; replaces isoleucine 790 with leucine.
Molecular consequence: missense variant.
Genome position (GRCh38, 1-based): chr16:15,747,613, T>G on the plus strand (A>C on the coding strand, the complement: MYH11 is on the minus strand). VCF-style: chr16-15747613-T-G. GRCh37 (hg19) VCF-style: chr16-15841470-T-G.
Other names: c.2389A>C, p.Ile797Leu (NM_001040113.2, NM_001040114.2); c.2368A>C, p.Ile790Leu (NM_022844.3); short protein forms I790L, I797L.
Identifiers: ClinVar variation 3222372 (VCV003222372.1), dbSNP rs2041453442, ClinGen allele CA394867215.